The following is an entry in ClinVar:

NM_002354.3(EPCAM):c.44C>A (p.Ala15Glu)

Gene: EPCAM (epithelial cell adhesion molecule; plus strand). Cytogenetic location: 2p21.
Variant type: single nucleotide variant.
Coding change: c.44C>A on transcript NM_002354.3 (MANE Select); coding-DNA position 44, C replaced by A.
Protein change: p.Ala15Glu; replaces alanine 15 with glutamic acid.
Molecular consequence: missense variant.
Genome position (GRCh38, 1-based): chr2:47,369,549, C>A. VCF-style: chr2-47369549-C-A. GRCh37 (hg19) VCF-style: chr2-47596688-C-A.
Other names: short protein forms A15E.
Identifiers: ClinVar variation 4018570 (VCV004018570.1).

ClinVar aggregate classification (germline): Uncertain significance (1 of 4 stars; one submission).

Conditions:
Hereditary cancer-predisposing syndrome. Also called: Tumor predisposition; Hereditary neoplastic syndrome; Neoplastic Syndromes, Hereditary; Hereditary Cancer Syndrome. Identifiers: Orphanet 140162, MedGen C0027672, MeSH D009386, MONDO:0015356.

Submission:

Ambry Genetics
Classification: Uncertain significance for Hereditary cancer-predisposing syndrome. Last evaluated: 2025-04-22. Review status: criteria provided, single submitter. Criteria: Ambry Variant Classification Scheme 2023. Collection method: clinical testing. Allele origin: germline.
Comment: The p.A15E variant (also known as c.44C>A), located in coding exon 1 of the EPCAM gene, results from a C to A substitution at nucleotide position 44. The alanine at codon 15 is replaced by glutamic acid, an amino acid with dissimilar properties. This amino acid position is conserved. In addition, this alteration is predicted to be tolerated by in silico analysis. Based on the available evidence, the clinical significance of this variant remains unclear.